The following is an entry in ClinVar:

ClinVar aggregate classification (germline): Uncertain significance (1 of 4 stars; one submission).

Submission:

Labcorp Genetics (formerly Invitae), Labcorp
Classification: Uncertain significance. Last evaluated: 2024-08-21. Review status: criteria provided, single submitter. Criteria: Invitae Variant Classification Sherloc (09022015). Collection method: clinical testing. Allele origin: germline.
Comment: This sequence change replaces glutamic acid, which is acidic and polar, with aspartic acid, which is acidic and polar, at codon 77 of the PRPF4 protein (p.Glu77Asp). This variant is present in population databases (no rsID available, gnomAD 0.0009%). This variant has not been reported in the literature in individuals affected with PRPF4-related conditions. An algorithm developed to predict the effect of missense changes on protein structure and function outputs the following: PolyPhen-2: "Benign". The aspartic acid amino acid residue is found in multiple mammalian species, which suggests that this missense change does not adversely affect protein function. In summary, the available evidence is currently insufficient to determine the role of this variant in disease. Therefore, it has been classified as a Variant of Uncertain Significance.

NM_001244926.2(PRPF4):c.228G>C (p.Glu76Asp)

Gene: PRPF4 (pre-mRNA splicing tri-snRNP complex factor PRPF4; plus strand). Cytogenetic location: 9q32.
Variant type: single nucleotide variant.
Coding change: c.228G>C on transcript NM_001244926.2 (MANE Select); coding-DNA position 228, G replaced by C.
Protein change: p.Glu76Asp; replaces glutamic acid 76 with aspartic acid.
Molecular consequence: missense variant. On other transcripts: 5 prime UTR variant (2), non-coding transcript variant (2).
Genome position (GRCh38, 1-based): chr9:113,278,967, G>C. VCF-style: chr9-113278967-G-C. GRCh37 (hg19) VCF-style: chr9-116041247-G-C.
Other names: c.-538G>C (NM_001322266.2, NM_001322267.2); c.231G>C, p.Glu77Asp (NM_004697.5); short protein forms E76D, E77D.
Identifiers: ClinVar variation 3615382 (VCV003615382.2).
Genomic context (GRCh38, chr9:113,278,967, plus strand): 5'-AGAAGATCTGCTGATGTTGCCTGTTTTCTTTTTAATAGGAGAAGTGTTTGAAATTGAAGA[G>C]CATATCAGCGAGCGACAGGCAGAAGTATTGGCTGAGTTTGAGAGAAGGAAGCGAGCCCGG-3'
Protein context (NP_001231855.1, residues 66-86): ITSGEVFEIE[Glu76Asp]HISERQAEVL